The following is an entry in ClinVar:

NM_017654.4(SAMD9):c.4376C>A (p.Ala1459Glu)

Gene: SAMD9 (sterile alpha motif domain containing 9; minus strand). Cytogenetic location: 7q21.2.
Variant type: single nucleotide variant.
Coding change: c.4376C>A on transcript NM_017654.4 (MANE Select); coding-DNA position 4376, C replaced by A.
Protein change: p.Ala1459Glu; replaces alanine 1459 with glutamic acid.
Molecular consequence: missense variant.
Genome position (GRCh38, 1-based): chr7:93,101,722, G>T on the plus strand (C>A on the coding strand, the complement: SAMD9 is on the minus strand). VCF-style: chr7-93101722-G-T. GRCh37 (hg19) VCF-style: chr7-92731035-G-T.
Other names: c.4376C>A, p.Ala1459Glu (NM_001193307.2); short protein forms A1459E.
Identifiers: ClinVar variation 3949488 (VCV003949488.1).

ClinVar aggregate classification (germline): Uncertain significance (1 of 4 stars; one submission).

Conditions:
Inborn genetic diseases. Identifiers: MedGen C0950123, MeSH D030342.

Submission:

Ambry Genetics
Classification: Uncertain significance for Inborn genetic diseases. Last evaluated: 2025-03-29. Review status: criteria provided, single submitter. Criteria: Ambry Variant Classification Scheme 2023. Collection method: clinical testing. Allele origin: germline.
Comment: The p.A1459E variant (also known as c.4376C>A), located in coding exon 1 of the SAMD9 gene, results from a C to A substitution at nucleotide position 4376. The alanine at codon 1459 is replaced by glutamic acid, an amino acid with dissimilar properties. This amino acid position is conserved. In addition, this alteration is predicted to be tolerated by in silico analysis. Based on the available evidence, the clinical significance of this variant remains unclear.